The following is an entry in ClinVar:

NM_145290.4(ADGRA3):c.2504C>G (p.Ser835Cys)

Gene: ADGRA3 (adhesion G protein-coupled receptor A3; minus strand). Cytogenetic location: 4p15.2.
Variant type: single nucleotide variant.
Coding change: c.2504C>G on transcript NM_145290.4 (MANE Select); coding-DNA position 2504, C replaced by G.
Protein change: p.Ser835Cys; replaces serine 835 with cysteine.
Molecular consequence: missense variant.
Genome position (GRCh38, 1-based): chr4:22,392,668, G>C on the plus strand (C>G on the coding strand, the complement: ADGRA3 is on the minus strand). VCF-style: chr4-22392668-G-C. GRCh37 (hg19) VCF-style: chr4-22394291-G-C.
Other names: short protein forms S835C.
Identifiers: ClinVar variation 834484 (VCV000834484.9), dbSNP rs562486549, ClinGen allele CA2873602.
Genomic context (GRCh38, chr4:22,392,668, plus strand): 5'-GTGACTTGTTTGTAGATATTTCGAGCTGTCACTCCTACCCATAGTACTGTGGCAAGGGTG[G>C]AATAGTGAAGAATTATCCCAACCTACAAGGAAGATCAAAGAATAAATAAAAGAAAAAAAA-3'
Protein context (NP_660333.2, residues 825-845): CQAVGIILHY[Ser835Cys]TLATVLWVGV

ClinVar aggregate classification (germline): Uncertain significance. Review status: criteria provided, single submitter (1 of 4 stars). 2 submissions from 2 submitters: Uncertain significance (1). 1 of the submissions does not count toward it. Last evaluated 2025-11-14.

Conditions:
Autosomal recessive retinitis pigmentosa. Identifiers: MedGen C0339526.

Allele frequency attached by ClinVar (database versions not stated): gnomAD exomes 0.00004 and 0.00009; gnomAD 0.00005 and 0.00006; TOPMed 0.00008; ExAC 0.00009; 1000 Genomes Project 0.00020; 1000 Genomes Project 30x 0.00031.
gnomAD v4.1: 66 of 1,612,482 alleles (0.0041%); highest among the groups gnomAD compares: Middle Eastern, 0.05%; no homozygotes.

Submissions (2):

Labcorp Genetics (formerly Invitae), Labcorp
Classification: Uncertain significance. Last evaluated: 2025-11-14. Review status: criteria provided, single submitter. Criteria: Invitae Variant Classification Sherloc (09022015). Collection method: clinical testing. Allele origin: germline.
Comment: This sequence change replaces serine, which is neutral and polar, with cysteine, which is neutral and slightly polar, at codon 835 of the ADGRA3 protein (p.Ser835Cys). This variant is present in population databases (rs562486549, gnomAD 0.03%). This missense change has been observed in individual(s) with retinitis pigmentosa (PMID: 23105016, 26355662). ClinVar contains an entry for this variant (Variation ID: 834484). An algorithm developed to predict the effect of missense changes on protein structure and function (PolyPhen-2) suggests that this variant is likely to be disruptive. In summary, the available evidence is currently insufficient to determine the role of this variant in disease. Therefore, it has been classified as a Variant of Uncertain Significance.

Faculty of Health Sciences, Beirut Arab University
Classification: Pathogenic for Autosomal recessive Retinitis Pigmentosa. Last evaluated: 2015-09-10. Review status: no assertion criteria provided. Collection method: literature only. Allele origin: germline. Affected: yes. Observed: 2 variant alleles. Not counted in ClinVar's aggregate classification.

Literature cited by the submitters: PubMed 23105016 (cited by Labcorp Genetics (formerly Invitae), Labcorp and Faculty of Health Sciences, Beirut Arab University); PubMed 26355662 (cited by Labcorp Genetics (formerly Invitae), Labcorp and Faculty of Health Sciences, Beirut Arab University).